The following is an entry in ClinVar:

NM_001134407.3(GRIN2A):c.3522T>A (p.Asn1174Lys)

Gene: GRIN2A (glutamate ionotropic receptor NMDA type subunit 2A; minus strand). Cytogenetic location: 16p13.2.
Variant type: single nucleotide variant.
Coding change: c.3522T>A on transcript NM_001134407.3 (MANE Select); coding-DNA position 3522, T replaced by A.
Protein change: p.Asn1174Lys; replaces asparagine 1174 with lysine.
Molecular consequence: missense variant.
Genome position (GRCh38, 1-based): chr16:9,764,022, A>T on the plus strand (T>A on the coding strand, the complement: GRIN2A is on the minus strand). VCF-style: chr16-9764022-A-T. GRCh37 (hg19) VCF-style: chr16-9857879-A-T.
Other names: c.3522T>A, p.Asn1174Lys (NM_000833.5, NM_001134408.2); c.3522T>A (NM_000833.3); short protein forms N1174K.
Identifiers: ClinVar variation 1428954 (VCV001428954.10), dbSNP rs772104446, ClinGen allele CA7896299.

ClinVar aggregate classification (germline): Uncertain significance. Review status: criteria provided, multiple submitters, no conflicts (2 of 4 stars). 3 submissions from 3 submitters: Uncertain significance (3). Last evaluated 2025-11-10.

Conditions:
Inborn genetic diseases. Identifiers: MedGen C0950123, MeSH D030342.
Landau-Kleffner syndrome (FESD). Also called: APHASIA, ACQUIRED, WITH EPILEPSY; EPILEPSY, FOCAL, WITH SPEECH DISORDER AND WITH OR WITHOUT MENTAL RETARDATION. Identifiers: Orphanet 1945, Orphanet 725, Orphanet 98818, MedGen C0282512, MONDO:0009509, OMIM 245570.

Allele frequency attached by ClinVar (database versions not stated): gnomAD 0.00001.
gnomAD v4.1: 2 of 1,613,922 alleles (0.00012%); highest among the groups gnomAD compares: Non-Finnish European, 0.000085%; no homozygotes.

Submissions (3):

Labcorp Genetics (formerly Invitae), Labcorp
Classification: Uncertain significance for Landau-Kleffner syndrome. Last evaluated: 2025-11-10. Review status: criteria provided, single submitter. Criteria: Invitae Variant Classification Sherloc (09022015). Collection method: clinical testing. Allele origin: germline.
Comment: This sequence change replaces asparagine, which is neutral and polar, with lysine, which is basic and polar, at codon 1174 of the GRIN2A protein (p.Asn1174Lys). This variant is present in population databases (rs772104446, gnomAD 0.0009%). This variant has not been reported in the literature in individuals affected with GRIN2A-related conditions. ClinVar contains an entry for this variant (Variation ID: 1428954). Invitae Evidence Modeling of protein sequence and biophysical properties (such as structural, functional, and spatial information, amino acid conservation, physicochemical variation, residue mobility, and thermodynamic stability) has been performed for this missense variant. However, the output from this modeling did not meet the statistical confidence thresholds required to predict the impact of this variant on GRIN2A protein function. In summary, the available evidence is currently insufficient to determine the role of this variant in disease. Therefore, it has been classified as a Variant of Uncertain Significance.

Ambry Genetics
Classification: Uncertain significance for Inborn genetic diseases. Last evaluated: 2023-04-26. Review status: criteria provided, single submitter. Criteria: Ambry Variant Classification Scheme 2023. Collection method: clinical testing. Allele origin: germline.

Laboratorio de Genetica e Diagnostico Molecular, Hospital Israelita Albert Einstein
Classification: Uncertain significance. Last evaluated: 2022-03-16. Review status: criteria provided, single submitter. Criteria: ACMG Guidelines, 2015. Collection method: clinical testing. Allele origin: germline. Affected: yes.
Comment: ACMG classification criteria: PM2, BP4